The following is an entry in ClinVar:

NM_001127222.2(CACNA1A):c.6035A>G (p.Asp2012Gly)

Gene: CACNA1A (calcium voltage-gated channel subunit alpha1 A; minus strand). Cytogenetic location: 19p13.13.
Variant type: single nucleotide variant.
Coding change: c.6035A>G on transcript NM_001127222.2 (MANE Select); coding-DNA position 6035, A replaced by G.
Protein change: p.Asp2012Gly; replaces aspartic acid 2012 with glycine.
Molecular consequence: missense variant.
Genome position (GRCh38, 1-based): chr19:13,212,646, T>C on the plus strand (A>G on the coding strand, the complement: CACNA1A is on the minus strand). VCF-style: chr19-13212646-T-C. GRCh37 (hg19) VCF-style: chr19-13323460-T-C.
Other names: c.6053A>G, p.Asp2018Gly (NM_000068.4, NM_023035.3); c.6038A>G, p.Asp2013Gly (NM_001127221.2); c.6044A>G, p.Asp2015Gly (NM_001174080.2); short protein forms D2012G, D2015G, D2013G, D2018G.
Identifiers: ClinVar variation 1353692 (VCV001353692.8), dbSNP rs2144526083, ClinGen allele CA404333379.

ClinVar aggregate classification (germline): Uncertain significance (1 of 4 stars; one submission).

Conditions:
Episodic ataxia type 2 (EA2). Also called: ATAXIA, EPISODIC, WITH NYSTAGMUS; ATAXIA, FAMILIAL PAROXYSMAL; CEREBELLAR ATAXIA, PAROXYSMAL, ACETAZOLAMIDE-RESPONSIVE; CEREBELLOPATHY, HEREDITARY PAROXYSMAL; EPISODIC ATAXIA, NYSTAGMUS-ASSOCIATED; ACETAZOLAMIDE-RESPONSIVE HEREDITARY PAROXYSMAL CEREBELLAR ATAXIA. Identifiers: Orphanet 97, MedGen C1720416, MONDO:0007163, OMIM 108500.
Developmental and epileptic encephalopathy, 42 (DEE42A). Also called: DEVELOPMENTAL AND EPILEPTIC ENCEPHALOPATHY 42A; EPILEPTIC ENCEPHALOPATHY, EARLY INFANTILE, 42A; Epileptic encephalopathy, early infantile, 42. Identifiers: MedGen C4310716, MONDO:0014917, OMIM 617106.

Submission:

Labcorp Genetics (formerly Invitae), Labcorp
Classification: Uncertain significance for Developmental and epileptic encephalopathy, 42; Episodic ataxia type 2. Last evaluated: 2022-10-17. Review status: criteria provided, single submitter. Criteria: Invitae Variant Classification Sherloc (09022015). Collection method: clinical testing. Allele origin: germline.
Comment: This sequence change replaces aspartic acid, which is acidic and polar, with glycine, which is neutral and non-polar, at codon 2013 of the CACNA1A protein (p.Asp2013Gly). In summary, the available evidence is currently insufficient to determine the role of this variant in disease. Therefore, it has been classified as a Variant of Uncertain Significance. Advanced modeling of protein sequence and biophysical properties (such as structural, functional, and spatial information, amino acid conservation, physicochemical variation, residue mobility, and thermodynamic stability) performed at Invitae indicates that this missense variant is not expected to disrupt CACNA1A protein function. ClinVar contains an entry for this variant (Variation ID: 1353692). This variant has not been reported in the literature in individuals affected with CACNA1A-related conditions. This variant is not present in population databases (gnomAD no frequency).